The following is an entry in ClinVar:

ClinVar aggregate classification (germline): Uncertain significance. Review status: criteria provided, multiple submitters, no conflicts (2 of 4 stars). 2 submissions from 2 submitters: Uncertain significance (2). Last evaluated 2024-07-29.

Allele frequency attached by ClinVar (database versions not stated): gnomAD exomes 0.00004 and 0.00001; 1000 Genomes Project 0.00020; 1000 Genomes Project 30x 0.00031; TOPMed below 0.00001; gnomAD 0.00003; ExAC 0.00004.

Submissions (2):

Blueprint Genetics
Classification: Uncertain significance. Last evaluated: 2024-07-29. Review status: criteria provided, single submitter. Criteria: ACMG Guidelines, 2015. Collection method: clinical testing. Allele origin: germline.

Labcorp Genetics (formerly Invitae), Labcorp
Classification: Uncertain significance. Last evaluated: 2022-08-16. Review status: criteria provided, single submitter. Criteria: Invitae Variant Classification Sherloc (09022015). Collection method: clinical testing. Allele origin: germline.
Comment: This sequence change replaces arginine, which is basic and polar, with tryptophan, which is neutral and slightly polar, at codon 1228 of the SZT2 protein (p.Arg1228Trp). This variant is present in population databases (rs202116839, gnomAD 0.01%). This variant has not been reported in the literature in individuals affected with SZT2-related conditions. ClinVar contains an entry for this variant (Variation ID: 659230). Algorithms developed to predict the effect of missense changes on protein structure and function are either unavailable or do not agree on the potential impact of this missense change (SIFT: "Deleterious"; PolyPhen-2: "Probably Damaging"; Align-GVGD: "Class C0"). In summary, the available evidence is currently insufficient to determine the role of this variant in disease. Therefore, it has been classified as a Variant of Uncertain Significance.

NM_001365999.1(SZT2):c.3853C>T (p.Arg1285Trp)

Gene: SZT2 (SZT2 subunit of KICSTOR complex; plus strand). Cytogenetic location: 1p34.2.
Variant type: single nucleotide variant.
Coding change: c.3853C>T on transcript NM_001365999.1 (MANE Select); coding-DNA position 3853, C replaced by T.
Protein change: p.Arg1285Trp; replaces arginine 1285 with tryptophan.
Molecular consequence: missense variant.
Genome position (GRCh38, 1-based): chr1:43,428,052, C>T. VCF-style: chr1-43428052-C-T. GRCh37 (hg19) VCF-style: chr1-43893723-C-T.
Other names: c.3682C>T, p.Arg1228Trp (NM_015284.4); short protein forms R1285W, R1228W.
Identifiers: ClinVar variation 659230 (VCV000659230.7), dbSNP rs202116839, ClinGen allele CA809127.
Genomic context (GRCh38, chr1:43,428,052, plus strand): 5'-TCGTTTCCTAGGACTCAGTTCCTCGACCACCCCTCCCCATCCTCAGCCTGGATGGAACCC[C>T]GGTACAAGGAGGCAGCTAACCACTGTGCCCTGCTGCAGGAGCATGCACAGCGGTGCTATG-3'
Protein context (NP_001352928.1, residues 1275-1295): PSPSSAWMEP[Arg1285Trp]YKEAANHCAL